The following is an entry in ClinVar:

ClinVar aggregate classification (germline): Likely benign (1 of 4 stars; one submission).

gnomAD v4.1: 70 of 1,614,050 alleles (0.0043%); highest among the groups gnomAD compares: South Asian, 0.047%; 2 homozygotes.

Submission:

CeGaT Center for Human Genetics Tuebingen
Classification: Likely benign. Last evaluated: 2025-04-01. Review status: criteria provided, single submitter. Criteria: CeGaT Center For Human Genetics Tuebingen Variant Classification Criteria Version 2. Collection method: clinical testing. Allele origin: germline. Affected: yes. Observed: 1 variant allele.
Comment: GARIN3: BP4, BP7

NM_130899.3(GARIN3):c.1125G>A (p.Ala375=)

Gene: GARIN3 (golgi associated RAB2 interactor family member 3; minus strand). Cytogenetic location: 5q33.3.
Variant type: single nucleotide variant.
Coding change: c.1125G>A on transcript NM_130899.3 (MANE Select); coding-DNA position 1125, G replaced by A.
Protein change: p.Ala375=; no amino-acid change (alanine 375 retained).
Molecular consequence: synonymous variant.
Genome position (GRCh38, 1-based): chr5:157,163,140, C>T on the plus strand (G>A on the coding strand, the complement: GARIN3 is on the minus strand). VCF-style: chr5-157163140-C-T. GRCh37 (hg19) VCF-style: chr5-156590151-C-T.
Identifiers: ClinVar variation 3898277 (VCV003898277.7).